The following is an entry in ClinVar:

ClinVar aggregate classification (germline): Uncertain significance (1 of 4 stars; one submission).

Submission:

Laboratorio de Genetica e Diagnostico Molecular, Hospital Israelita Albert Einstein
Classification: Uncertain significance. Last evaluated: 2021-11-16. Review status: criteria provided, single submitter. Criteria: ACMG Guidelines, 2015. Collection method: clinical testing. Allele origin: germline. Affected: yes.
Comment: ACMG classification criteria: PM2, BP4

NM_006521.6(TFE3):c.340G>A (p.Val114Ile)

Gene: TFE3 (transcription factor binding to IGHM enhancer 3; minus strand). Cytogenetic location: Xp11.23.
Variant type: single nucleotide variant.
Coding change: c.340G>A on transcript NM_006521.6 (MANE Select); coding-DNA position 340, G replaced by A.
Protein change: p.Val114Ile; replaces valine 114 with isoleucine.
Molecular consequence: missense variant.
Genome position (GRCh38, 1-based): chrX:49,039,301, C>T on the plus strand (G>A on the coding strand, the complement: TFE3 is on the minus strand). VCF-style: chrX-49039301-C-T. GRCh37 (hg19) VCF-style: chrX-48896826-C-T.
Other names: c.25G>A, p.Val9Ile (NM_001282142.2); short protein forms V114I, V9I.
Identifiers: ClinVar variation 1690488 (VCV001690488.2), dbSNP rs868924892, ClinGen allele CA412913192.